The following is an entry in ClinVar:

ClinVar aggregate classification (germline): Likely benign (1 of 4 stars; one submission).

gnomAD v4.1: 201 of 376,766 alleles (0.053%); highest among the groups gnomAD compares: Admixed American, 0.57%; 1 homozygote.

Submission:

CeGaT Center for Human Genetics Tuebingen
Classification: Likely benign. Last evaluated: 2026-03-01. Review status: criteria provided, single submitter. Criteria: CeGaT Center For Human Genetics Tuebingen Variant Classification Criteria Version 2. Collection method: clinical testing. Allele origin: germline. Affected: yes. Observed: 1 variant allele.
Comment: MMP13: BP4, BP7

NM_002427.4(MMP13):c.1315+501C>T

Gene: MMP13 (matrix metallopeptidase 13; minus strand). Cytogenetic location: 11q22.2.
Variant type: single nucleotide variant.
Coding change: c.1315+501C>T on transcript NM_002427.4 (MANE Select); 501 bases into the intron after coding-DNA position 1315, C replaced by T.
Molecular consequence: intron variant.
Genome position (GRCh38, 1-based): chr11:102,945,145, G>A on the plus strand (C>T on the coding strand, the complement: MMP13 is on the minus strand). VCF-style: chr11-102945145-G-A. GRCh37 (hg19) VCF-style: chr11-102815874-G-A.
Identifiers: ClinVar variation 4821558 (VCV004821558.4).